The following is an entry in ClinVar:

NM_001009944.3(PKD1):c.8391C>T (p.Gly2797=)

Gene: PKD1 (polycystin 1, transient receptor potential channel interacting; minus strand). Cytogenetic location: 16p13.3.
Variant type: single nucleotide variant.
Coding change: c.8391C>T on transcript NM_001009944.3 (MANE Select); coding-DNA position 8391, C replaced by T.
Protein change: p.Gly2797=; no amino-acid change (glycine 2797 retained).
Molecular consequence: synonymous variant.
Genome position (GRCh38, 1-based): chr16:2,103,666, G>A on the plus strand (C>T on the coding strand, the complement: PKD1 is on the minus strand). VCF-style: chr16-2103666-G-A. GRCh37 (hg19) VCF-style: chr16-2153667-G-A.
Other names: c.8391C>T, p.Gly2797= (NM_000296.4).
Identifiers: ClinVar variation 3057575 (VCV003057575.2), dbSNP rs753895513, ClinGen allele CA7830534.
Genomic context (GRCh38, chr16:2,103,666, plus strand): 5'-GGCCAGGGCCCCGCTGAAAGCCTCGGGGATGGAGAAGTGGCAGCCAGGCCCTGGGGCGCC[G>A]CCATAGCACAGCAGGCTCCGCGGGTCCGAGCGCTTGCCCTGGGCCACGATCTCCTCGCCC-3'
Protein context (NP_001009944.3, residues 2787-2807): RSDPRSLLCY[Gly2797=]GAPGPGCHFS

ClinVar aggregate classification (germline): Likely benign (0 of 4 stars; one submission).

Conditions:
PKD1-related disorder. Also called: PKD1-related condition.

Allele frequency attached by ClinVar (database versions not stated): gnomAD 0.00003; ExAC 0.00010; gnomAD exomes 0.00011.
gnomAD v4.1: 162 of 1,610,150 alleles (0.01%); highest among the groups gnomAD compares: South Asian, 0.036%; no homozygotes.

Submission:

PreventionGenetics, part of Exact Sciences
Classification: Likely benign for PKD1-related condition. Last evaluated: 2023-12-18. Review status: no assertion criteria provided. Collection method: clinical testing. Allele origin: germline.
Comment: This variant is classified as likely benign based on ACMG/AMP sequence variant interpretation guidelines (Richards et al. 2015 PMID: 25741868, with internal and published modifications).